The following is an entry in ClinVar:

NM_020831.6(MRTFA):c.730C>T (p.Arg244Ter)

Gene: MRTFA (myocardin related transcription factor A; minus strand). Cytogenetic location: 22q13.1.
Variant type: single nucleotide variant.
Coding change: c.730C>T on transcript NM_020831.6 (MANE Select); coding-DNA position 730, C replaced by T.
Protein change: p.Arg244Ter; replaces arginine 244 with a stop codon.
Molecular consequence: nonsense.
Genome position (GRCh38, 1-based): chr22:40,424,253, G>A on the plus strand (C>T on the coding strand, the complement: MRTFA is on the minus strand). VCF-style: chr22-40424253-G-A. GRCh37 (hg19) VCF-style: chr22-40820257-G-A.
Other names: c.430C>T, p.Arg144Ter (NM_001282660.2); c.730C>T, p.Arg244Ter (NM_001282661.3, NM_001282662.3); c.535C>T, p.Arg179Ter (NM_001318139.2); short protein forms R244*, R179*, R144*.
Identifiers: ClinVar variation 2760167 (VCV002760167.3), dbSNP rs761289691, ClinGen allele CA10249891.

ClinVar aggregate classification (germline): Uncertain significance (1 of 4 stars; one submission).

Allele frequency attached by ClinVar (database versions not stated): gnomAD exomes below 0.00001; ExAC 0.00002.
gnomAD v4.1: 2 of 1,607,034 alleles (0.00012%); highest among the groups gnomAD compares: South Asian, 0.0011%; no homozygotes.

Submission:

Labcorp Genetics (formerly Invitae), Labcorp
Classification: Uncertain significance. Last evaluated: 2023-06-03. Review status: criteria provided, single submitter. Criteria: Invitae Variant Classification Sherloc (09022015). Collection method: clinical testing. Allele origin: germline.
Comment: In summary, the available evidence is currently insufficient to determine the role of this variant in disease. Therefore, it has been classified as a Variant of Uncertain Significance. This variant has not been reported in the literature in individuals affected with MKL1-related conditions. This variant is present in population databases (rs761289691, gnomAD 0.003%). This sequence change creates a premature translational stop signal (p.Arg144*) in the MKL1 gene. It is expected to result in an absent or disrupted protein product. However, the current clinical and genetic evidence is not sufficient to establish whether loss-of-function variants in MKL1 cause disease.